The following is an entry in ClinVar:

ClinVar aggregate classification (germline): Uncertain significance (1 of 4 stars; one submission).

Conditions:
Cardiovascular phenotype. Identifiers: MedGen CN230736.

Allele frequency attached by ClinVar (database versions not stated): gnomAD exomes below 0.00001; gnomAD 0.00001; TOPMed 0.00001.
gnomAD v4.1: 7 of 1,548,022 alleles (0.00045%); highest among the groups gnomAD compares: East Asian, 0.0073%; no homozygotes.

Submission:

Ambry Genetics
Classification: Uncertain significance for Cardiovascular phenotype. Last evaluated: 2021-01-26. Review status: criteria provided, single submitter. Criteria: Ambry Variant Classification Scheme 2023. Collection method: clinical testing. Allele origin: germline.
Comment: The p.E316A variant (also known as c.947A>C), located in coding exon 1 of the ZNF469 gene, results from an A to C substitution at nucleotide position 947. The glutamic acid at codon 316 is replaced by alanine, an amino acid with dissimilar properties. This amino acid position is not well conserved in available vertebrate species, and alanine is the reference amino acid in other vertebrate species. In addition, this alteration is predicted to be tolerated by in silico analysis. Since supporting evidence is limited at this time, the clinical significance of this alteration remains unclear.

NM_001367624.2(ZNF469):c.947A>C (p.Glu316Ala)

Gene: ZNF469 (zinc finger protein 469; plus strand). Cytogenetic location: 16q24.2.
Variant type: single nucleotide variant.
Coding change: c.947A>C on transcript NM_001367624.2 (MANE Select); coding-DNA position 947, A replaced by C.
Protein change: p.Glu316Ala; replaces glutamic acid 316 with alanine.
Molecular consequence: missense variant.
Genome position (GRCh38, 1-based): chr16:88,428,417, A>C. VCF-style: chr16-88428417-A-C. GRCh37 (hg19) VCF-style: chr16-88494825-A-C.
Other names: NM_001127464.1:c.947A>C; short protein forms E316A.
Identifiers: ClinVar variation 1767083 (VCV001767083.2), dbSNP rs901068156, ClinGen allele CA286372257.
Genomic context (GRCh38, chr16:88,428,417, plus strand): 5'-CATTCACCAATGGGCCACTGGTGTTTGCCTTCCATCAGCCCCAGGGAGCGTGGCCGGAGG[A>C]GGCCGTGGGCACGGGCCCTGCCTACCCGCTGCCCACCCAGCCTGCGCCCTCACCCCTGCC-3'
Protein context (NP_001354553.1, residues 306-326): FHQPQGAWPE[Glu316Ala]AVGTGPAYPL